The following is an entry in ClinVar:

ClinVar aggregate classification (germline): Uncertain significance. Review status: criteria provided, multiple submitters, no conflicts (2 of 4 stars). 2 submissions from 2 submitters: Uncertain significance (2). Last evaluated 2022-12-02.

Conditions:
Inflammatory bowel disease 25. Also called: Inflammatory bowel disease 25, early onset, autosomal recessive. Identifiers: Orphanet 238569, MedGen C2675508, MONDO:0012941, OMIM 612567.

Allele frequency attached by ClinVar (database versions not stated): gnomAD 0.00001 and 0.00002; gnomAD exomes 0.00001 and 0.00002; TOPMed 0.00001; ExAC 0.00002; 1000 Genomes Project 0.00020; 1000 Genomes Project 30x 0.00031.
gnomAD v4.1: 16 of 1,613,368 alleles (0.00099%); highest among the groups gnomAD compares: Middle Eastern, 0.016%; no homozygotes.

Submissions (2):

Labcorp Genetics (formerly Invitae), Labcorp
Classification: Uncertain significance for Inflammatory bowel disease 25. Last evaluated: 2022-12-02. Review status: criteria provided, single submitter. Criteria: Invitae Variant Classification Sherloc (09022015). Collection method: clinical testing. Allele origin: germline.
Comment: In summary, the available evidence is currently insufficient to determine the role of this variant in disease. Therefore, it has been classified as a Variant of Uncertain Significance. Algorithms developed to predict the effect of missense changes on protein structure and function are either unavailable or do not agree on the potential impact of this missense change (SIFT: "Deleterious"; PolyPhen-2: "Benign"; Align-GVGD: "Class C0"). ClinVar contains an entry for this variant (Variation ID: 1387267). This missense change has been observed in individual(s) with inflammatory bowel disease (PMID: 27350736, 29531467). This variant is present in population databases (rs387907326, gnomAD 0.02%). This sequence change replaces glutamic acid, which is acidic and polar, with lysine, which is basic and polar, at codon 141 of the IL10RB protein (p.Glu141Lys).

Revvity Omics, Revvity
Classification: Uncertain significance for Inflammatory bowel disease 25. Last evaluated: 2021-01-27. Review status: criteria provided, single submitter. Criteria: ACMG Guidelines, 2015. Collection method: clinical testing. Allele origin: germline.

Literature cited by the submitters: PubMed 27350736 (cited by Labcorp Genetics (formerly Invitae), Labcorp); PubMed 29531467 (cited by Labcorp Genetics (formerly Invitae), Labcorp).

NM_000628.5(IL10RB):c.421G>A (p.Glu141Lys)

Genes: IL10RB (interleukin 10 receptor subunit beta; plus strand), IFNAR2-IL10RB (IFNAR2-IL10RB readthrough; plus strand). Cytogenetic location: 21q22.11.
Variant type: single nucleotide variant.
Coding change: c.421G>A on transcript NM_000628.5 (MANE Select); coding-DNA position 421, G replaced by A.
Protein change: p.Glu141Lys; replaces glutamic acid 141 with lysine.
Molecular consequence: missense variant.
Genome position (GRCh38, 1-based): chr21:33,279,841, G>A. VCF-style: chr21-33279841-G-A. GRCh37 (hg19) VCF-style: chr21-34652146-G-A.
Other names: short protein forms E141K.
Identifiers: ClinVar variation 1387267 (VCV001387267.9), dbSNP rs387907326, ClinGen allele CA10006136.